The following is an entry in ClinVar:

ClinVar aggregate classification (germline): Benign/Likely benign. Review status: criteria provided, multiple submitters, no conflicts (2 of 4 stars). 3 submissions from 3 submitters: Benign (1); Likely benign (2). Last evaluated 2025-08-05.

Conditions:
Hereditary cancer-predisposing syndrome. Also called: Tumor predisposition; Hereditary Cancer Syndrome; Hereditary neoplastic syndrome; Neoplastic Syndromes, Hereditary. Identifiers: Orphanet 140162, MedGen C0027672, MeSH D009386, MONDO:0015356.
Familial cancer of breast. Also called: BREAST CANCER, FAMILIAL; hereditary breast carcinoma; Hereditary breast cancer. Identifiers: Orphanet 227535, MedGen C0346153, MONDO:0016419, OMIM 114480. Disease mechanism: loss of function.
Ataxia-telangiectasia syndrome (AT). Also called: LOUIS-BAR SYNDROME; Cerebello-oculocutaneous telangiectasia; Immunodeficiency with ataxia telangiectasia; ATAXIA-TELANGIECTASIA, COMPLEMENTATION GROUP A; ATAXIA-TELANGIECTASIA, FRESNO VARIANT; Ataxia-telangiectasia. Identifiers: Orphanet 100, MedGen C0004135, MONDO:0008840, OMIM 208900.

Allele frequency attached by ClinVar (database versions not stated): gnomAD exomes below 0.00001; ExAC 0.00001; TOPMed 0.00001.
gnomAD v4.1: 5 of 1,613,076 alleles (0.00031%); highest among the groups gnomAD compares: Non-Finnish European, 0.00042%; no homozygotes.

Submissions (3):

Labcorp Genetics (formerly Invitae), Labcorp
Classification: Likely benign for Ataxia-telangiectasia syndrome. Last evaluated: 2025-08-05. Review status: criteria provided, single submitter. Criteria: Invitae Variant Classification Sherloc (09022015). Collection method: clinical testing. Allele origin: germline.

Myriad Genetics, Inc.
Classification: Benign for Familial cancer of breast. Last evaluated: 2024-04-25. Review status: criteria provided, single submitter. Criteria: Myriad Autosomal Dominant, Autosomal Recessive and X-Linked Classification Criteria (2023). Collection method: clinical testing. Allele origin: unknown.
Comment: This variant is considered benign. This variant is a silent/synonymous amino acid change and it is not expected to impact splicing.

Ambry Genetics
Classification: Likely benign for Hereditary cancer-predisposing syndrome. Last evaluated: 2017-06-05. Review status: criteria provided, single submitter. Criteria: Ambry Variant Classification Scheme 2023. Collection method: clinical testing. Allele origin: germline.

NM_000051.4(ATM):c.1119A>T (p.Thr373=)

Gene: ATM (ATM serine/threonine kinase; plus strand). Cytogenetic location: 11q22.3.
Variant type: single nucleotide variant.
Coding change: c.1119A>T on transcript NM_000051.4 (MANE Select); coding-DNA position 1119, A replaced by T.
Protein change: p.Thr373=; no amino-acid change (threonine 373 retained).
Molecular consequence: synonymous variant.
Genome position (GRCh38, 1-based): chr11:108,248,986, A>T. VCF-style: chr11-108248986-A-T. GRCh37 (hg19) VCF-style: chr11-108119713-A-T.
Other names: c.1119A>T, p.Thr373= (NM_001351834.2).
Identifiers: ClinVar variation 184435 (VCV000184435.15), dbSNP rs754889105, ClinGen allele CA188961.